The following is an entry in ClinVar:

ClinVar aggregate classification (germline): Uncertain significance (1 of 4 stars; one submission).

Conditions:
Pyridoxal phosphate-responsive seizures (PNPOD). Also called: Pyridoxamine 5-Prime-Phosphate Oxidase Deficiency; Pyridoxine-5'-phosphate oxidase deficiency; Pyridoxal 5'-Phosphate (PLP)-Dependent Epilepsy; EPILEPTIC ENCEPHALOPATHY, NEONATAL, PNPO-RELATED; SEIZURES, PYRIDOXINE-RESISTANT, PLP-SENSITIVE. Identifiers: Orphanet 79096, MedGen C1864723, MONDO:0012407, OMIM 610090. Disease mechanism: loss of function.

Submission:

Labcorp Genetics (formerly Invitae), Labcorp
Classification: Uncertain significance for Pyridoxal phosphate-responsive seizures. Last evaluated: 2020-07-12. Review status: criteria provided, single submitter. Criteria: Invitae Variant Classification Sherloc (09022015). Collection method: clinical testing. Allele origin: germline.
Comment: In summary, the available evidence is currently insufficient to determine the role of this variant in disease. Therefore, it has been classified as a Variant of Uncertain Significance. Algorithms developed to predict the effect of sequence changes on RNA splicing suggest that this variant may create or strengthen a splice site, but this prediction has not been confirmed by published transcriptional studies. Algorithms developed to predict the effect of missense changes on protein structure and function (SIFT, PolyPhen-2, Align-GVGD) all suggest that this variant is likely to be tolerated, but these predictions have not been confirmed by published functional studies and their clinical significance is uncertain. This variant has not been reported in the literature in individuals with PNPO-related conditions. This variant is not present in population databases (ExAC no frequency). This sequence change replaces alanine with valine at codon 47 of the PNPO protein (p.Ala47Val). The alanine residue is moderately conserved and there is a small physicochemical difference between alanine and valine.

NM_018129.4(PNPO):c.140C>T (p.Ala47Val)

Gene: PNPO (pyridoxamine 5'-phosphate oxidase; plus strand). Cytogenetic location: 17q21.32.
Variant type: single nucleotide variant.
Coding change: c.140C>T on transcript NM_018129.4 (MANE Select); coding-DNA position 140, C replaced by T.
Protein change: p.Ala47Val; replaces alanine 47 with valine.
Molecular consequence: missense variant.
Genome position (GRCh38, 1-based): chr17:47,943,307, C>T. VCF-style: chr17-47943307-C-T. GRCh37 (hg19) VCF-style: chr17-46020673-C-T.
Other names: short protein forms A47V.
Identifiers: ClinVar variation 1056873 (VCV001056873.9), dbSNP rs2144160555, ClinGen allele CA400055998.
Genomic context (GRCh38, chr17:47,943,307, plus strand): 5'-GCCAGGTCCATAGTAAGCACTATATATGTTTATTAAATGAAATAAATCTCCTTTCCTAGG[C>T]ATTTGAGGAGACTCATCTGACCTCCCTTGACCCAGTGAAACAGTTTGCTGCCTGGTTTGA-3'
Protein context (NP_060599.1, residues 37-57): MRKSYRGDRE[Ala47Val]FEETHLTSLD